The following is an entry in ClinVar:

NM_004343.4(CALR):c.961-13A>G

Gene: CALR (calreticulin; plus strand). Cytogenetic location: 19p13.13.
Variant type: single nucleotide variant.
Coding change: c.961-13A>G on transcript NM_004343.4 (MANE Select); 13 bases into the intron before coding-DNA position 961, A replaced by G.
Molecular consequence: intron variant.
Genome position (GRCh38, 1-based): chr19:12,943,524, A>G. VCF-style: chr19-12943524-A-G. GRCh37 (hg19) VCF-style: chr19-13054338-A-G.
Identifiers: ClinVar variation 5036704 (VCV005036704.1).

ClinVar aggregate classification (germline): Likely benign (1 of 4 stars; one submission).

Conditions:
Myeloproliferative neoplasm. Identifiers: Orphanet 98274, MedGen C1292778, MONDO:0020076.

Submission:

Dept of Medical Biology, Uskudar University
Classification: Likely benign for Myeloproliferative neoplasm. Last evaluated: 2026-09-23. Review status: criteria provided, single submitter. Criteria: Dept of Medical Biology Variant Classification. Collection method: research. Allele origin: germline. Affected: yes. Observed: 1 variant allele.
Comment: BS1: allele frequency 8.6e-03 in the Ashkenazi Jewish population and 3.6e-04 overall in gnomAD v4.1. BP4: no predicted splicing effect (SpliceAI maximum delta score 0.00). BS1 was applied at full strength where the gnomAD v4.1 grpmax filtering allele frequency exceeds 2.5e-04 (PMID:28518168) and at supporting strength where only the unfiltered population frequency does. Classified as likely benign under the ACMG/AMP 2015 guidelines (PMID:25741868). Detected in a retrospective series of 256 BCR::ABL1-negative and JAK2 V617F-negative patients referred for molecular investigation of a suspected myeloproliferative neoplasm (May 2007 to January 2015) and re-interpreted under the ACMG/AMP 2015 criteria.